The following is an entry in ClinVar:

ClinVar aggregate classification (germline): Uncertain significance (1 of 4 stars; one submission).

Conditions:
Epilepsy, familial adult myoclonic, 5 (EPEO5). Also called: CORTICAL MYOCLONIC TREMOR WITH EPILEPSY, FAMILIAL, 5. Identifiers: Orphanet 86814, MedGen C3809374, MONDO:0014167, OMIM 615400.

Submission:

Labcorp Genetics (formerly Invitae), Labcorp
Classification: Uncertain significance for Epilepsy, familial adult myoclonic, 5. Last evaluated: 2022-05-24. Review status: criteria provided, single submitter. Criteria: Invitae Variant Classification Sherloc (09022015). Collection method: clinical testing. Allele origin: germline.
Comment: This sequence change replaces alanine, which is neutral and non-polar, with valine, which is neutral and non-polar, at codon 103 of the CNTN2 protein (p.Ala103Val). Algorithms developed to predict the effect of sequence changes on RNA splicing suggest that this variant may create or strengthen a splice site. In summary, the available evidence is currently insufficient to determine the role of this variant in disease. Therefore, it has been classified as a Variant of Uncertain Significance. This variant is not present in population databases (gnomAD no frequency). This variant has not been reported in the literature in individuals affected with CNTN2-related conditions. Advanced modeling of protein sequence and biophysical properties (such as structural, functional, and spatial information, amino acid conservation, physicochemical variation, residue mobility, and thermodynamic stability) performed at Invitae indicates that this missense variant is not expected to disrupt CNTN2 protein function.

NM_005076.5(CNTN2):c.308C>T (p.Ala103Val)

Gene: CNTN2 (contactin 2; plus strand). Cytogenetic location: 1q32.1.
Variant type: single nucleotide variant.
Coding change: c.308C>T on transcript NM_005076.5 (MANE Select); coding-DNA position 308, C replaced by T.
Protein change: p.Ala103Val; replaces alanine 103 with valine.
Molecular consequence: missense variant. On other transcripts: non-coding transcript variant (1).
Genome position (GRCh38, 1-based): chr1:205,058,273, C>T. VCF-style: chr1-205058273-C-T. GRCh37 (hg19) VCF-style: chr1-205027401-C-T.
Other names: c.308C>T, p.Ala103Val (NM_001346083.2); short protein forms A103V.
Identifiers: ClinVar variation 1998355 (VCV001998355.2), dbSNP rs2526347707, ClinGen allele CA344404912.